The following is an entry in ClinVar:

ClinVar aggregate classification (germline): Uncertain significance (1 of 4 stars; one submission).

gnomAD v4.1: 3 of 1,614,066 alleles (0.00019%); highest among the groups gnomAD compares: Admixed American, 0.0033%; no homozygotes.

Submission:

GeneDx
Classification: Uncertain significance. Last evaluated: 2025-05-24. Review status: criteria provided, single submitter. Criteria: GeneDx Variant Classification Process June 2021. Collection method: clinical testing. Allele origin: germline. Affected: yes.
Comment: Not observed at significant frequency in large population cohorts (gnomAD); In silico analysis suggests that this missense variant does not alter protein structure/function; Has not been previously published as pathogenic or benign to our knowledge

NM_004525.3(LRP2):c.8040G>C (p.Glu2680Asp)

Gene: LRP2 (LDL receptor related protein 2; minus strand). Cytogenetic location: 2q31.1.
Variant type: single nucleotide variant.
Coding change: c.8040G>C on transcript NM_004525.3 (MANE Select); coding-DNA position 8040, G replaced by C.
Protein change: p.Glu2680Asp; replaces glutamic acid 2680 with aspartic acid.
Molecular consequence: missense variant.
Genome position (GRCh38, 1-based): chr2:169,202,925, C>G on the plus strand (G>C on the coding strand, the complement: LRP2 is on the minus strand). VCF-style: chr2-169202925-C-G. GRCh37 (hg19) VCF-style: chr2-170059435-C-G.
Other names: short protein forms E2680D.
Identifiers: ClinVar variation 4530774 (VCV004530774.1).